The following is an entry in ClinVar:

ClinVar aggregate classification (germline): Benign/Likely benign. Review status: criteria provided, multiple submitters, no conflicts (2 of 4 stars). 4 submissions from 4 submitters: Benign (3); Likely benign (1). Last evaluated 2026-07-01.

Conditions:
Fleck corneal dystrophy (CFD). Also called: CORNEAL DYSTROPHY, FRANCOIS-NEETENS SPECKLED OR FLECKED. Identifiers: Orphanet 98970, MedGen C1562113, MONDO:0007376, OMIM 121850.

Allele frequency attached by ClinVar (database versions not stated): ESP Exome Variant Server 0.00023; gnomAD exomes 0.00132 and 0.00377; gnomAD 0.00230 and 0.00234; TOPMed 0.00230; 1000 Genomes Project 0.00339; ExAC 0.00341; 1000 Genomes Project 30x 0.00344.
gnomAD v4.1: 2,307 of 1,614,124 alleles (0.14%); highest among the groups gnomAD compares: East Asian, 0.88%; 16 homozygotes.

Submissions (4):

CeGaT Center for Human Genetics Tuebingen
Classification: Likely benign. Last evaluated: 2026-07-01. Review status: criteria provided, single submitter. Criteria: CeGaT Center For Human Genetics Tuebingen Variant Classification Criteria Version 2. Collection method: clinical testing. Allele origin: germline. Affected: yes. Observed: 1 variant allele.
Comment: PIKFYVE: BP4, BS1

Labcorp Genetics (formerly Invitae), Labcorp
Classification: Benign. Last evaluated: 2025-08-15. Review status: criteria provided, single submitter. Criteria: Invitae Variant Classification Sherloc (09022015). Collection method: clinical testing. Allele origin: germline.

Illumina Laboratory Services, Illumina
Classification: Benign for Fleck corneal dystrophy. Last evaluated: 2018-01-13. Review status: criteria provided, single submitter. Criteria: ICSL Variant Classification Criteria 13 December 2019. Collection method: clinical testing. Allele origin: germline.
Comment: This variant was observed in the ICSL laboratory as part of a predisposition screen in an ostensibly healthy population. It had not been previously curated by ICSL or reported in the Human Gene Mutation Database (HGMD: prior to June 1st, 2018), and was therefore a candidate for classification through an automated scoring system. Utilizing variant allele frequency, disease prevalence and penetrance estimates, and inheritance mode, an automated score was calculated to assess if this variant is too frequent to cause the disease. Based on the score and internal cut-off values, a variant classified as benign is not then subjected to further curation. The score for this variant resulted in a classification of benign for this disease.

Breakthrough Genomics
Classification: Benign. Review status: criteria provided, single submitter. Criteria: ACMG Guidelines, 2015. Collection method: not provided. Allele origin: germline. Inheritance: Autosomal dominant inheritance. Affected: yes.

NM_015040.4(PIKFYVE):c.4774G>A (p.Gly1592Arg)

Gene: PIKFYVE (phosphoinositide kinase, FYVE-type zinc finger containing; plus strand). Cytogenetic location: 2q34.
Variant type: single nucleotide variant.
Coding change: c.4774G>A on transcript NM_015040.4 (MANE Select); coding-DNA position 4774, G replaced by A.
Protein change: p.Gly1592Arg; replaces glycine 1592 with arginine.
Molecular consequence: missense variant.
Genome position (GRCh38, 1-based): chr2:208,339,519, G>A. VCF-style: chr2-208339519-G-A. GRCh37 (hg19) VCF-style: chr2-209204243-G-A.
Other names: short protein forms G1592R.
Identifiers: ClinVar variation 333924 (VCV000333924.15), dbSNP rs148994064, ClinGen allele CA2080434.
Genomic context (GRCh38, chr2:208,339,519, plus strand): 5'-AGTTCTACTCATCTCCAATTGCCTACGCCACCTGAAGTCATGTCTGAACAGTCAGTGGGA[G>A]GGCCCCCTGAGCTAGATACAGCCAGCAGTTCCGAAGGTAGAGGTTAAGTCACTTTTACCA-3'
Protein context (NP_055855.2, residues 1582-1602): PEVMSEQSVG[Gly1592Arg]PPELDTASSS